The following is an entry in ClinVar:

ClinVar aggregate classification (germline): Uncertain significance. Review status: criteria provided, multiple submitters, no conflicts (2 of 4 stars). 2 submissions from 2 submitters: Uncertain significance (2). Last evaluated 2022-04-06.

Conditions:
Epilepsy, childhood absence, susceptibility to, 6. Identifiers: Orphanet 64280, MedGen C2749872, MONDO:0012763, OMIM 611942.
Hyperaldosteronism, familial, type IV (HALD4). Also called: FH IV; ALDOSTERONISM, PRIMARY, AND HYPERTENSION. Identifiers: Orphanet 642671, MedGen C4310756, MONDO:0014875, OMIM 617027.
Idiopathic generalized epilepsy. Also called: Generalised epilepsy; EIG. Identifiers: MedGen C0270850, MONDO:0005579, OMIM 600669.

Submissions (2):

Fulgent Genetics
Classification: Uncertain significance for Epilepsy, childhood absence, susceptibility to, 6; Hyperaldosteronism, familial, type IV. Last evaluated: 2022-04-06. Review status: criteria provided, single submitter. Criteria: ACMG Guidelines, 2015. Collection method: clinical testing. Allele origin: unknown.

Labcorp Genetics (formerly Invitae), Labcorp
Classification: Uncertain significance for Idiopathic generalized epilepsy; Hyperaldosteronism, familial, type IV. Last evaluated: 2022-02-04. Review status: criteria provided, single submitter. Criteria: Invitae Variant Classification Sherloc (09022015). Collection method: clinical testing. Allele origin: germline.
Comment: In summary, the available evidence is currently insufficient to determine the role of this variant in disease. Therefore, it has been classified as a Variant of Uncertain Significance. Algorithms developed to predict the effect of sequence changes on RNA splicing suggest that this variant may create or strengthen a splice site. Advanced modeling of protein sequence and biophysical properties (such as structural, functional, and spatial information, amino acid conservation, physicochemical variation, residue mobility, and thermodynamic stability) performed at Invitae indicates that this missense variant is not expected to disrupt CACNA1H protein function. This variant has not been reported in the literature in individuals affected with CACNA1H-related conditions. This variant is not present in population databases (gnomAD no frequency). This sequence change replaces leucine, which is neutral and non-polar, with valine, which is neutral and non-polar, at codon 476 of the CACNA1H protein (p.Leu476Val).

NM_021098.3(CACNA1H):c.1426T>G (p.Leu476Val)

Gene: CACNA1H (calcium voltage-gated channel subunit alpha1 H; plus strand). Cytogenetic location: 16p13.3.
Variant type: single nucleotide variant.
Coding change: c.1426T>G on transcript NM_021098.3 (MANE Select); coding-DNA position 1426, T replaced by G.
Protein change: p.Leu476Val; replaces leucine 476 with valine.
Molecular consequence: missense variant.
Genome position (GRCh38, 1-based): chr16:1,201,876, T>G. VCF-style: chr16-1201876-T-G. GRCh37 (hg19) VCF-style: chr16-1251876-T-G.
Other names: c.1426T>G, p.Leu476Val (NM_001005407.2); short protein forms L476V.
Identifiers: ClinVar variation 1508715 (VCV001508715.9), dbSNP rs918496310, ClinGen allele CA394160777.